The following is an entry in ClinVar:

NM_000379.4(XDH):c.1661C>T (p.Pro554Leu)

Gene: XDH (xanthine dehydrogenase; minus strand). Cytogenetic location: 2p23.1.
Variant type: single nucleotide variant.
Coding change: c.1661C>T on transcript NM_000379.4 (MANE Select); coding-DNA position 1661, C replaced by T.
Protein change: p.Pro554Leu; replaces proline 554 with leucine.
Molecular consequence: missense variant.
Genome position (GRCh38, 1-based): chr2:31,373,898, G>A on the plus strand (C>T on the coding strand, the complement: XDH is on the minus strand). VCF-style: chr2-31373898-G-A. GRCh37 (hg19) VCF-style: chr2-31596764-G-A.
Other names: short protein forms P554L.
Identifiers: ClinVar variation 1975562 (VCV001975562.5), dbSNP rs774646333, ClinGen allele CA1599149.
Genomic context (GRCh38, chr2:31,373,898, plus strand): 5'-TCCCCTGATATTAGCCATACACTGACCGTACTCACTTGGAAGAGCTGGACATCGGCTGGG[G>A]GGTCTTTCTGAAACAGTAAAGTTGCACTGGCGAAAGTGGGGTCCAGTTTACCACACTTCT-3'
Protein context (NP_000370.2, residues 544-564): ASATLLFQKD[Pro554Leu]PADVQLFQEV

ClinVar aggregate classification (germline): Uncertain significance (1 of 4 stars; one submission).

Conditions:
Xanthinuria type II. Also called: Xanthine dehydrogenase and aldehyde oxidase combined deficiency of; XDH and AOX dual deficiency. Identifiers: Orphanet 3467, Orphanet 93602, MedGen C1863688, MONDO:0011346, OMIM 603592.

Allele frequency attached by ClinVar (database versions not stated): ExAC 0.00001; gnomAD exomes 0.00001.
gnomAD v4.1: 5 of 1,613,894 alleles (0.00031%); highest among the groups gnomAD compares: South Asian, 0.0022%; no homozygotes.

Submission:

Labcorp Genetics (formerly Invitae), Labcorp
Classification: Uncertain significance for Xanthinuria type II. Last evaluated: 2022-08-08. Review status: criteria provided, single submitter. Criteria: Invitae Variant Classification Sherloc (09022015). Collection method: clinical testing. Allele origin: germline.
Comment: Algorithms developed to predict the effect of missense changes on protein structure and function (SIFT, PolyPhen-2, Align-GVGD) all suggest that this variant is likely to be tolerated. This variant has not been reported in the literature in individuals affected with XDH-related conditions. This variant is present in population databases (rs774646333, gnomAD 0.007%). This sequence change replaces proline, which is neutral and non-polar, with leucine, which is neutral and non-polar, at codon 554 of the XDH protein (p.Pro554Leu). In summary, the available evidence is currently insufficient to determine the role of this variant in disease. Therefore, it has been classified as a Variant of Uncertain Significance.